The following is an entry in ClinVar:

ClinVar aggregate classification (germline): Uncertain significance (1 of 4 stars; one submission).

Conditions:
Inborn genetic diseases. Identifiers: MedGen C0950123, MeSH D030342.

Submission:

Ambry Genetics
Classification: Uncertain significance for Inborn genetic diseases. Last evaluated: 2025-07-25. Review status: criteria provided, single submitter. Criteria: Ambry Variant Classification Scheme 2023. Collection method: clinical testing. Allele origin: germline.
Comment: The p.Q862H variant (also known as c.2586G>T), located in coding exon 1 of the SAMD9 gene, results from a G to T substitution at nucleotide position 2586. The glutamine at codon 862 is replaced by histidine, an amino acid with highly similar properties. This amino acid position is conserved. In addition, the in silico prediction for this alteration is inconclusive. Based on the available evidence, the clinical significance of this variant remains unclear.

NM_017654.4(SAMD9):c.2586G>T (p.Gln862His)

Gene: SAMD9 (sterile alpha motif domain containing 9; minus strand). Cytogenetic location: 7q21.2.
Variant type: single nucleotide variant.
Coding change: c.2586G>T on transcript NM_017654.4 (MANE Select); coding-DNA position 2586, G replaced by T.
Protein change: p.Gln862His; replaces glutamine 862 with histidine.
Molecular consequence: missense variant.
Genome position (GRCh38, 1-based): chr7:93,103,512, C>A on the plus strand (G>T on the coding strand, the complement: SAMD9 is on the minus strand). VCF-style: chr7-93103512-C-A. GRCh37 (hg19) VCF-style: chr7-92732825-C-A.
Other names: c.2586G>T, p.Gln862His (NM_001193307.2); short protein forms Q862H.
Identifiers: ClinVar variation 4159096 (VCV004159096.1).